The following is an entry in ClinVar:

NM_000308.4(CTSA):c.1089-3C>A

Gene: CTSA (cathepsin A; plus strand). Cytogenetic location: 20q13.12.
Variant type: single nucleotide variant.
Coding change: c.1089-3C>A on transcript NM_000308.4 (MANE Select); 3 bases into the intron before coding-DNA position 1089, C replaced by A.
Molecular consequence: intron variant.
Genome position (GRCh38, 1-based): chr20:45,896,962, C>A. VCF-style: chr20-45896962-C-A. GRCh37 (hg19) VCF-style: chr20-44525601-C-A.
Other names: c.1089-3C>A (NM_001127695.3); c.1038-3C>A (NM_001167594.3).
Identifiers: ClinVar variation 572703 (VCV000572703.8), dbSNP rs764115103, ClinGen allele CA9883288.

ClinVar aggregate classification (germline): Uncertain significance (1 of 4 stars; one submission).

Conditions:
Combined deficiency of sialidase AND beta galactosidase (GSL). Also called: GOLDBERG SYNDROME; NEURAMINIDASE DEFICIENCY WITH BETA-GALACTOSIDASE DEFICIENCY; NEURAMINIDASE/BETA-GALACTOSIDASE EXPRESSION; PPCA DEFICIENCY; PROTECTIVE PROTEIN/CATHEPSIN A DEFICIENCY; CATHEPSIN A DEFICIENCY. Identifiers: Orphanet 351, MedGen C0268233, MONDO:0009737, OMIM 256540.

gnomAD v4.1: 2 of 1,613,738 alleles (0.00012%); no homozygotes.

Submission:

Labcorp Genetics (formerly Invitae), Labcorp
Classification: Uncertain significance for Combined deficiency of sialidase AND beta galactosidase. Last evaluated: 2024-10-29. Review status: criteria provided, single submitter. Criteria: Invitae Variant Classification Sherloc (09022015). Collection method: clinical testing. Allele origin: germline.
Comment: This sequence change falls in intron 11 of the CTSA gene. It does not directly change the encoded amino acid sequence of the CTSA protein. It affects a nucleotide within the consensus splice site. The frequency data for this variant in the population databases is considered unreliable, as metrics indicate poor data quality at this position in the gnomAD database. This variant has not been reported in the literature in individuals affected with CTSA-related conditions. ClinVar contains an entry for this variant (Variation ID: 572703). Variants that disrupt the consensus splice site are a relatively common cause of aberrant splicing (PMID: 17576681, 9536098). Algorithms developed to predict the effect of sequence changes on RNA splicing suggest that this variant may disrupt the consensus splice site. In summary, the available evidence is currently insufficient to determine the role of this variant in disease. Therefore, it has been classified as a Variant of Uncertain Significance.

Literature cited by the submitters: PubMed 17576681; PubMed 9536098.